The following is an entry in ClinVar:

ClinVar aggregate classification (germline): Conflicting classifications of pathogenicity. Review status: criteria provided, conflicting classifications (1 of 4 stars). 4 submissions from 4 submitters: Uncertain significance (1); Benign (3). Last evaluated 2025-12-19.

Allele frequency attached by ClinVar (database versions not stated): gnomAD exomes 0.00013 and 0.00038; ExAC 0.00046; 1000 Genomes Project 30x 0.00094; gnomAD 0.00118 and 0.00131; TOPMed 0.00136; 1000 Genomes Project 0.00180.

Submissions (4):

Labcorp Genetics (formerly Invitae), Labcorp
Classification: Benign. Last evaluated: 2025-12-19. Review status: criteria provided, single submitter. Criteria: Invitae Variant Classification Sherloc (09022015). Collection method: clinical testing. Allele origin: germline.

CeGaT Center for Human Genetics Tuebingen
Classification: Benign. Last evaluated: 2023-01-01. Review status: criteria provided, single submitter. Criteria: CeGaT Center For Human Genetics Tuebingen Variant Classification Criteria Version 2. Collection method: clinical testing. Allele origin: germline. Affected: yes. Observed: 1 variant allele.
Comment: MAGEL2: BS1, BS2

GeneDx
Classification: Benign. Last evaluated: 2021-04-16. Review status: criteria provided, single submitter. Criteria: GeneDx Variant Classification Process June 2021. Collection method: clinical testing. Allele origin: germline. Affected: yes.

Eurofins Ntd Llc (ga)
Classification: Uncertain significance. Last evaluated: 2016-05-10. Review status: criteria provided, single submitter. Criteria: EGL Classification Definitions 2015. Collection method: clinical testing. Allele origin: germline. Observed: 2 variant alleles, 2 heterozygotes.

NM_019066.5(MAGEL2):c.406G>A (p.Gly136Arg)

Gene: MAGEL2 (MAGE family member L2; minus strand). Cytogenetic location: 15q11.2.
Variant type: single nucleotide variant.
Coding change: c.406G>A on transcript NM_019066.5 (MANE Select); coding-DNA position 406, G replaced by A.
Protein change: p.Gly136Arg; replaces glycine 136 with arginine.
Molecular consequence: missense variant.
Genome position (GRCh38, 1-based): chr15:23,647,337, C>T on the plus strand (G>A on the coding strand, the complement: MAGEL2 is on the minus strand). VCF-style: chr15-23647337-C-T. GRCh37 (hg19) VCF-style: chr15-23892484-C-T.
Other names: short protein forms G136R.
Identifiers: ClinVar variation 193411 (VCV000193411.43), dbSNP rs570335069, ClinGen allele CA238933.